The following is an entry in ClinVar:

NM_000548.5(TSC2):c.1095C>G (p.Ile365Met)

Gene: TSC2 (TSC complex subunit 2; plus strand). Cytogenetic location: 16p13.3.
Variant type: single nucleotide variant.
Coding change: c.1095C>G on transcript NM_000548.5 (MANE Select); coding-DNA position 1095, C replaced by G.
Protein change: p.Ile365Met; replaces isoleucine 365 with methionine.
Molecular consequence: missense variant.
Genome position (GRCh38, 1-based): chr16:2,060,789, C>G. VCF-style: chr16-2060789-C-G. GRCh37 (hg19) VCF-style: chr16-2110790-C-G.
Other names: c.1095C>G, p.Ile365Met (NM_001077183.3, NM_001114382.3, NM_001363528.2 and 3 more transcripts); c.984C>G, p.Ile328Met (NM_001318827.2); c.948C>G, p.Ile316Met (NM_001318829.2); c.495C>G, p.Ile165Met (NM_001318831.2); c.1128C>G, p.Ile376Met (NM_001318832.2); short protein forms I316M, I365M, I165M, I328M, I376M.
Identifiers: ClinVar variation 952344 (VCV000952344.13), dbSNP rs757135168, ClinGen allele CA394318218.

ClinVar aggregate classification (germline): Conflicting classifications of pathogenicity. Review status: criteria provided, conflicting classifications (1 of 4 stars). 4 submissions from 4 submitters: Uncertain significance (3); Likely benign (1). Last evaluated 2024-08-30.

Conditions:
Hereditary cancer-predisposing syndrome. Also called: Hereditary neoplastic syndrome; Tumor predisposition; Neoplastic Syndromes, Hereditary; Hereditary Cancer Syndrome. Identifiers: Orphanet 140162, MedGen C0027672, MeSH D009386, MONDO:0015356.
Tuberous sclerosis syndrome (TSC). Also called: Tuberous Sclerosis Complex; Tuberous sclerosis. Identifiers: Orphanet 805, MedGen C0041341, MONDO:0001734.
Tuberous sclerosis 2 (TSC2). Identifiers: Orphanet 805, MedGen C1860707, MONDO:0013199, OMIM 613254.

gnomAD v4.1: 1 of 1,613,736 alleles (0.000062%); highest among the groups gnomAD compares: Non-Finnish European, 0.000085%; no homozygotes.

Submissions (4):

All of Us Research Program, National Institutes of Health
Classification: Uncertain significance for Tuberous sclerosis syndrome. Last evaluated: 2024-08-30. Review status: criteria provided, single submitter. Criteria: ACMG Guidelines, 2015. Collection method: clinical testing. Allele origin: germline. Inheritance: Autosomal dominant inheritance. Observed: 1 variant allele, 1 heterozygote.
Comment: This missense variant replaces isoleucine with methionine at codon 365 of the TSC2 protein. Computational prediction suggests that this variant may not impact protein structure and function (internally defined REVEL score threshold <= 0.5, PMID: 27666373). To our knowledge, functional studies have not been reported for this variant. This variant has not been reported in individuals affected with TSC2-related disorders in the literature. This variant has not been identified in the general population by the Genome Aggregation Database (gnomAD). The available evidence is insufficient to determine the role of this variant in disease conclusively. Therefore, this variant is classified as a Variant of Uncertain Significance.

This study involves interpretation of variants in research participants for the purpose of population health screening. Participant phenotype was not available at the time of variant classification. Additional details can be found in publication PMID: 35346344, PMCID: PMC8962531

Ambry Genetics
Classification: Likely benign for Hereditary cancer-predisposing syndrome. Last evaluated: 2024-05-08. Review status: criteria provided, single submitter. Criteria: Ambry Variant Classification Scheme 2023. Collection method: clinical testing. Allele origin: germline.

Color Diagnostics, LLC DBA Color Health
Classification: Uncertain significance for Tuberous sclerosis syndrome. Last evaluated: 2024-05-07. Review status: criteria provided, single submitter. Criteria: ACMG Guidelines, 2015. Collection method: clinical testing. Allele origin: germline.
Comment: This missense variant replaces isoleucine with methionine at codon 365 of the TSC2 protein. Computational prediction suggests that this variant may not impact protein structure and function (internally defined REVEL score threshold <= 0.5, PMID: 27666373). To our knowledge, functional studies have not been reported for this variant. This variant has not been reported in individuals affected with TSC2-related disorders in the literature. This variant has not been identified in the general population by the Genome Aggregation Database (gnomAD). The available evidence is insufficient to determine the role of this variant in disease conclusively. Therefore, this variant is classified as a Variant of Uncertain Significance.

Labcorp Genetics (formerly Invitae), Labcorp
Classification: Uncertain significance for Tuberous sclerosis 2. Last evaluated: 2021-10-15. Review status: criteria provided, single submitter. Criteria: Invitae Variant Classification Sherloc (09022015). Collection method: clinical testing. Allele origin: germline.
Comment: This sequence change replaces isoleucine with methionine at codon 365 of the TSC2 protein (p.Ile365Met). The isoleucine residue is moderately conserved and there is a small physicochemical difference between isoleucine and methionine. This variant is not present in population databases (ExAC no frequency). This variant has not been reported in the literature in individuals affected with TSC2-related conditions. Algorithms developed to predict the effect of missense changes on protein structure and function output the following: SIFT: "Tolerated"; PolyPhen-2: "Benign"; Align-GVGD: "Class C0". The methionine amino acid residue is found in multiple mammalian species, which suggests that this missense change does not adversely affect protein function. In summary, the available evidence is currently insufficient to determine the role of this variant in disease. Therefore, it has been classified as a Variant of Uncertain Significance.